The following is an entry in ClinVar:

NM_144997.7(FLCN):c.1570G>C (p.Val524Leu)

Gene: FLCN (folliculin; minus strand). Cytogenetic location: 17p11.2.
Variant type: single nucleotide variant.
Coding change: c.1570G>C on transcript NM_144997.7 (MANE Select); coding-DNA position 1570, G replaced by C.
Protein change: p.Val524Leu; replaces valine 524 with leucine.
Molecular consequence: missense variant.
Genome position (GRCh38, 1-based): chr17:17,213,825, C>G on the plus strand (G>C on the coding strand, the complement: FLCN is on the minus strand). VCF-style: chr17-17213825-C-G. GRCh37 (hg19) VCF-style: chr17-17117139-C-G.
Other names: c.1624G>C, p.Val542Leu (NM_001353229.2); c.1570G>C, p.Val524Leu (NM_001353230.2, NM_001353231.2); short protein forms V542L, V524L.
Identifiers: ClinVar variation 2027324 (VCV002027324.4), dbSNP rs2144812304, ClinGen allele CA398530467.
Genomic context (GRCh38, chr17:17,213,825, plus strand): 5'-CCTCGGACGCACCCAGGATGCTCAGCAGCTTCTGTGTGTCCTCTTTGGGTCGACTGTCCA[C>G]CTTGGTGAACTTAAAAAGCACCTTCACTTTGCTGAAGAAAACCAAAACAAAACACTCAGA-3'
Protein context (NP_659434.2, residues 514-534): KVKVLFKFTK[Val524Leu]DSRPKEDTQK

ClinVar aggregate classification (germline): Uncertain significance (1 of 4 stars; one submission).

Conditions:
Birt-Hogg-Dube syndrome. Also called: Birt Hogg Dubé syndrome. Identifiers: Orphanet 122, MedGen C0346010, MONDO:0800444.

Submission:

Labcorp Genetics (formerly Invitae), Labcorp
Classification: Uncertain significance for Birt-Hogg-Dube syndrome. Last evaluated: 2022-08-09. Review status: criteria provided, single submitter. Criteria: Invitae Variant Classification Sherloc (09022015). Collection method: clinical testing. Allele origin: germline.
Comment: In summary, the available evidence is currently insufficient to determine the role of this variant in disease. Therefore, it has been classified as a Variant of Uncertain Significance. Algorithms developed to predict the effect of missense changes on protein structure and function (SIFT, PolyPhen-2, Align-GVGD) all suggest that this variant is likely to be tolerated. This variant has not been reported in the literature in individuals affected with FLCN-related conditions. This variant is not present in population databases (gnomAD no frequency). This sequence change replaces valine, which is neutral and non-polar, with leucine, which is neutral and non-polar, at codon 524 of the FLCN protein (p.Val524Leu).